The following is an entry in ClinVar:

ClinVar aggregate classification (germline): Pathogenic (1 of 4 stars; one submission).

Conditions:
Hypertrophic cardiomyopathy. Also called: HYPERTROPHIC MYOCARDIOPATHY. Identifiers: Orphanet 217569, MedGen C0007194, MeSH D002312, MONDO:0005045, HP:0001639.

Submission:

Labcorp Genetics (formerly Invitae), Labcorp
Classification: Pathogenic for Hypertrophic cardiomyopathy. Last evaluated: 2022-08-09. Review status: criteria provided, single submitter. Criteria: Invitae Variant Classification Sherloc (09022015). Collection method: clinical testing. Allele origin: germline.
Comment: This sequence change creates a premature translational stop signal (p.Val1204Leufs*7) in the MYBPC3 gene. It is expected to result in an absent or disrupted protein product. Loss-of-function variants in MYBPC3 are known to be pathogenic (PMID: 19574547). This variant is not present in population databases (gnomAD no frequency). This variant has not been reported in the literature in individuals affected with MYBPC3-related conditions. For these reasons, this variant has been classified as Pathogenic.

Literature cited by the submitters: PubMed 19574547.

NM_000256.3(MYBPC3):c.3600_3609dup (p.Val1204fs)

Gene: MYBPC3 (myosin binding protein C3; minus strand). Cytogenetic location: 11p11.2.
Variant type: Duplication.
Coding change: c.3600_3609dup on transcript NM_000256.3 (MANE Select); coding-DNA positions 3600 to 3609, 10 bases duplicated (CTGCTGTGCT; older notation c.3600_3609dupCTGCTGTGCT).
Protein change: p.Val1204fs; shifts the reading frame from valine 1204.
Molecular consequence: frameshift variant.
Genome position (GRCh38, 1-based): chr11:47,332,584-47,332,593, AGCACAGCAG duplicated on the plus strand (CTGCTGTGCT on the coding strand, the reverse complement: MYBPC3 is on the minus strand); duplicating any 10 consecutive bases within chr11:47,332,584-47,332,597 gives the same sequence; the c. name uses the placement nearest the transcript's 3' end. VCF-style (leftmost placement, unchanged base first): chr11-47332583-C-CAGCACAGCAG. GRCh37 (hg19) VCF-style: chr11-47354134-C-CAGCACAGCAG.
Other names: short protein forms V1204fs.
Identifiers: ClinVar variation 2023196 (VCV002023196.4), dbSNP rs727504271, ClinGen allele CA2580084197.